The following is an entry in ClinVar:

NM_004329.3(BMPR1A):c.133G>A (p.Glu45Lys)

Gene: BMPR1A (bone morphogenetic protein receptor type 1A; plus strand). Cytogenetic location: 10q23.2.
Variant type: single nucleotide variant.
Coding change: c.133G>A on transcript NM_004329.3 (MANE Select); coding-DNA position 133, G replaced by A.
Protein change: p.Glu45Lys; replaces glutamic acid 45 with lysine.
Molecular consequence: missense variant.
Genome position (GRCh38, 1-based): chr10:86,890,127, G>A. VCF-style: chr10-86890127-G-A. GRCh37 (hg19) VCF-style: chr10-88649884-G-A.
Other names: short protein forms E45K.
Identifiers: ClinVar variation 460480 (VCV000460480.8), dbSNP rs1554888112, ClinGen allele CA377446593.

ClinVar aggregate classification (germline): Uncertain significance (1 of 4 stars; one submission).

Conditions:
Juvenile polyposis syndrome (JPS). Identifiers: Orphanet 2929, MedGen C0345893, MONDO:0017380, OMIM 174900.

Submission:

Labcorp Genetics (formerly Invitae), Labcorp
Classification: Uncertain significance for Juvenile polyposis syndrome. Last evaluated: 2021-08-27. Review status: criteria provided, single submitter. Criteria: Invitae Variant Classification Sherloc (09022015). Collection method: clinical testing. Allele origin: germline.
Comment: This sequence change replaces glutamic acid with lysine at codon 45 of the BMPR1A protein (p.Glu45Lys). The glutamic acid residue is moderately conserved and there is a small physicochemical difference between glutamic acid and lysine. This variant is not present in population databases (ExAC no frequency). This variant has not been reported in the literature in individuals affected with BMPR1A-related conditions. Algorithms developed to predict the effect of missense changes on protein structure and function (SIFT, PolyPhen-2, Align-GVGD) all suggest that this variant is likely to be tolerated. In summary, the available evidence is currently insufficient to determine the role of this variant in disease. Therefore, it has been classified as a Variant of Uncertain Significance.